The following is an entry in ClinVar:

ClinVar aggregate classification (germline): Uncertain significance (1 of 4 stars; one submission).

gnomAD v4.1: 42 of 1,613,328 alleles (0.0026%); highest among the groups gnomAD compares: Non-Finnish European, 0.0034%; no homozygotes.

Submission:

GeneDx
Classification: Uncertain significance. Last evaluated: 2024-03-13. Review status: criteria provided, single submitter. Criteria: GeneDx Variant Classification Process June 2021. Collection method: clinical testing. Allele origin: germline. Affected: yes.
Comment: Not observed at significant frequency in large population cohorts (gnomAD); Missense variant in a gene in which most reported pathogenic variants are truncating/loss of function; Has not been previously published as pathogenic or benign to our knowledge

NM_001267550.2(TTN):c.72040C>T (p.Pro24014Ser)

Genes: TTN (titin; minus strand), TTN-AS1 (TTN antisense RNA 1; plus strand). Cytogenetic location: 2q31.2.
Variant type: single nucleotide variant.
Coding change: c.72040C>T on transcript NM_001267550.2 (MANE Select); coding-DNA position 72040, C replaced by T.
Protein change: p.Pro24014Ser; replaces proline 24014 with serine.
Molecular consequence: missense variant.
Genome position (GRCh38, 1-based): chr2:178,574,092, G>A on the plus strand (C>T on the coding strand, the complement: TTN is on the minus strand). VCF-style: chr2-178574092-G-A. GRCh37 (hg19) VCF-style: chr2-179438819-G-A.
Other names: c.67117C>T, p.Pro22373Ser (NM_001256850.1); c.44845C>T, p.Pro14949Ser (NM_003319.4); c.64336C>T, p.Pro21446Ser (NM_133378.4); c.45220C>T, p.Pro15074Ser (NM_133432.3); c.45421C>T, p.Pro15141Ser (NM_133437.4); short protein forms P14949S, P15074S, P15141S, P21446S, P22373S, P24014S.
Identifiers: ClinVar variation 3370974 (VCV003370974.1).